The following is an entry in ClinVar:

ClinVar aggregate classification (germline): Uncertain significance (1 of 4 stars; one submission).

Submission:

Dasa
Classification: Uncertain significance. Last evaluated: 2025-01-13. Review status: criteria provided, single submitter. Criteria: DASA Assertion Criteria. Collection method: clinical testing. Allele origin: germline.
Comment: NM_145331.3(MAP3K7):c.232-7T>C is a splice-region variant. This variant is absent from population databases. The currently available literature and clinical evidence are not sufficient to establish a definitive association between this variant and the reported condition. Therefore, this variant is classified as a variant of uncertain significance.

NM_145331.3(MAP3K7):c.232-7T>C

Gene: MAP3K7 (mitogen-activated protein kinase kinase kinase 7; minus strand). Cytogenetic location: 6q15.
Variant type: single nucleotide variant.
Coding change: c.232-7T>C on transcript NM_145331.3 (MANE Select); 7 bases into the intron before coding-DNA position 232, T replaced by C.
Molecular consequence: intron variant.
Genome position (GRCh38, 1-based): chr6:90,568,630, A>G on the plus strand (T>C on the coding strand, the complement: MAP3K7 is on the minus strand). VCF-style: chr6-90568630-A-G. GRCh37 (hg19) VCF-style: chr6-91278349-A-G.
Other names: c.232-7T>C (NM_145333.3, NM_003188.4, NM_145332.3).
Identifiers: ClinVar variation 4884949 (VCV004884949.2).